The following is an entry in ClinVar:

NM_001321075.3(DLG4):c.1288G>A (p.Gly430Ser)

Genes: DLG4 (discs large MAGUK scaffold protein 4; minus strand), LOC126862479 (MED14-independent group 3 enhancer GRCh37_chr17:7099412-7100611; plus strand). Cytogenetic location: 17p13.1.
Variant type: single nucleotide variant.
Coding change: c.1288G>A on transcript NM_001321075.3 (MANE Select); coding-DNA position 1288, G replaced by A.
Protein change: p.Gly430Ser; replaces glycine 430 with serine.
Molecular consequence: missense variant. On other transcripts: non-coding transcript variant (1).
Genome position (GRCh38, 1-based): chr17:7,196,233, C>T on the plus strand (G>A on the coding strand, the complement: DLG4 is on the minus strand). VCF-style: chr17-7196233-C-T. GRCh37 (hg19) VCF-style: chr17-7099552-C-T.
Other names: c.1279G>A, p.Gly427Ser (NM_001128827.4); c.1408G>A, p.Gly470Ser (NM_001321074.1); c.1108G>A, p.Gly370Ser (NM_001321076.3, NM_001321077.3); c.1417G>A, p.Gly473Ser (NM_001365.5); c.1207G>A, p.Gly403Ser (NM_001369566.3); short protein forms G370S, G403S, G427S, G430S, G470S, G473S.
Identifiers: ClinVar variation 3901954 (VCV003901954.1).

ClinVar aggregate classification (germline): Uncertain significance (1 of 4 stars; one submission).

Conditions:
Intellectual developmental disorder 62. Also called: INTELLECTUAL DEVELOPMENTAL DISORDER, AUTOSOMAL DOMINANT 62; MENTAL RETARDATION, AUTOSOMAL DOMINANT 62. Identifiers: MedGen C5394083, MONDO:0032919, OMIM 618793.

gnomAD v4.1: 1 of 1,613,780 alleles (0.000062%); no homozygotes.

Submission:

Laboratorio de Genetica e Diagnostico Molecular, Hospital Israelita Albert Einstein
Classification: Uncertain significance for Intellectual developmental disorder 62. Last evaluated: 2024-02-23. Review status: criteria provided, single submitter. Criteria: ACMG Guidelines, 2015. Collection method: clinical testing. Allele origin: germline. Affected: yes.
Comment: ACMG classification criteria: PM2 supporting, PP2 supporting, BP4 supporting